The following is an entry in ClinVar:

ClinVar aggregate classification (germline): Uncertain significance (1 of 4 stars; one submission).

Submission:

GeneDx
Classification: Uncertain significance. Last evaluated: 2024-08-14. Review status: criteria provided, single submitter. Criteria: GeneDx Variant Classification Process June 2021. Collection method: clinical testing. Allele origin: germline. Affected: yes.
Comment: Not observed at significant frequency in large population cohorts (gnomAD); In silico analysis indicates that this missense variant does not alter protein structure/function; Has not been previously published as pathogenic or benign to our knowledge

NM_001374828.1(ARID1B):c.2030A>G (p.Gln677Arg)

Gene: ARID1B (AT-rich interaction domain 1B; plus strand). Cytogenetic location: 6q25.3.
Variant type: single nucleotide variant.
Coding change: c.2030A>G on transcript NM_001374828.1 (MANE Select); coding-DNA position 2030, A replaced by G.
Protein change: p.Gln677Arg; replaces glutamine 677 with arginine.
Molecular consequence: missense variant.
Genome position (GRCh38, 1-based): chr6:156,901,419, A>G. VCF-style: chr6-156901419-A-G. GRCh37 (hg19) VCF-style: chr6-157222553-A-G.
Other names: c.2069A>G, p.Gln690Arg (NM_001371656.1, NM_001374820.1); c.2030A>G, p.Gln677Arg (NM_017519.3); c.1820A>G (NM_020732.3); short protein forms Q677R, Q690R.
Identifiers: ClinVar variation 3731229 (VCV003731229.1).